The following is an entry in ClinVar:

NM_003482.4(KMT2D):c.7894G>A (p.Ala2632Thr)

Gene: KMT2D (lysine methyltransferase 2D; minus strand). Cytogenetic location: 12q13.12.
Variant type: single nucleotide variant.
Coding change: c.7894G>A on transcript NM_003482.4 (MANE Select); coding-DNA position 7894, G replaced by A.
Protein change: p.Ala2632Thr; replaces alanine 2632 with threonine.
Molecular consequence: missense variant.
Genome position (GRCh38, 1-based): chr12:49,039,876, C>T on the plus strand (G>A on the coding strand, the complement: KMT2D is on the minus strand). VCF-style: chr12-49039876-C-T. GRCh37 (hg19) VCF-style: chr12-49433659-C-T.
Other names: short protein forms A2632T.
Identifiers: ClinVar variation 3574762 (VCV003574762.2).

ClinVar aggregate classification (germline): Uncertain significance. Review status: criteria provided, multiple submitters, no conflicts (2 of 4 stars). 2 submissions from 2 submitters: Uncertain significance (2). Last evaluated 2025-06-09.

Conditions:
Choanal atresia-athelia-hypothyroidism-delayed puberty-short stature syndrome (BCAHH). Also called: BRANCHIAL ARCH ABNORMALITIES, CHOANAL ATRESIA, ATHELIA, HEARING LOSS, AND HYPOTHYROIDISM SYNDROME. Identifiers: Orphanet 589856, MedGen C5680310, MONDO:0035651, OMIM 620186.
Kabuki syndrome 1 (KABUK1). Also called: KMT2D-Related Kabuki Syndrome. Identifiers: Orphanet 2322, MedGen CN030661, MONDO:0007843, OMIM 147920.
Kabuki syndrome. Also called: NIIKAWA-KUROKI SYNDROME; Kabuki make-up syndrome. Identifiers: Orphanet 2322, MedGen C0796004, MONDO:0016512.

gnomAD v4.1: 2 of 1,613,930 alleles (0.00012%); highest among the groups gnomAD compares: Admixed American, 0.0017%; no homozygotes.

Submissions (2):

Labcorp Genetics (formerly Invitae), Labcorp
Classification: Uncertain significance for Kabuki syndrome. Last evaluated: 2025-06-09. Review status: criteria provided, single submitter. Criteria: Invitae Variant Classification Sherloc (09022015). Collection method: clinical testing. Allele origin: germline.
Comment: This sequence change replaces alanine, which is neutral and non-polar, with threonine, which is neutral and polar, at codon 2632 of the KMT2D protein (p.Ala2632Thr). This variant is not present in population databases (gnomAD no frequency). This variant has not been reported in the literature in individuals affected with KMT2D-related conditions. ClinVar contains an entry for this variant (Variation ID: 3574762). Invitae Evidence Modeling of protein sequence and biophysical properties (such as structural, functional, and spatial information, amino acid conservation, physicochemical variation, residue mobility, and thermodynamic stability) indicates that this missense variant is not expected to disrupt KMT2D protein function with a negative predictive value of 95%. Algorithms developed to predict the effect of sequence changes on RNA splicing suggest that this variant may create or strengthen a splice site. In summary, the available evidence is currently insufficient to determine the role of this variant in disease. Therefore, it has been classified as a Variant of Uncertain Significance.

Fulgent Genetics
Classification: Uncertain significance for Kabuki syndrome 1; Choanal atresia-athelia-hypothyroidism-delayed puberty-short stature syndrome. Last evaluated: 2024-06-04. Review status: criteria provided, single submitter. Criteria: ACMG Guidelines, 2015. Collection method: clinical testing. Allele origin: germline.